The following is an entry in ClinVar:

NM_001113378.2(FANCI):c.2746T>C (p.Phe916Leu)

Gene: FANCI (FA complementation group I; plus strand). Cytogenetic location: 15q26.1.
Variant type: single nucleotide variant.
Coding change: c.2746T>C on transcript NM_001113378.2 (MANE Select); coding-DNA position 2746, T replaced by C.
Protein change: p.Phe916Leu; replaces phenylalanine 916 with leucine.
Molecular consequence: missense variant.
Genome position (GRCh38, 1-based): chr15:89,299,909, T>C. VCF-style: chr15-89299909-T-C. GRCh37 (hg19) VCF-style: chr15-89843140-T-C.
Other names: c.2467T>C, p.Phe823Leu (NM_001376910.1); c.2746T>C, p.Phe916Leu (NM_001376911.1); c.2566T>C, p.Phe856Leu (NM_018193.3); short protein forms F856L, F916L, F823L.
Identifiers: ClinVar variation 2044372 (VCV002044372.1), dbSNP rs920951342, ClinGen allele CA274521750.
Genomic context (GRCh38, chr15:89,299,909, plus strand): 5'-GGAAAGAAAGAGAAAGGAAAGAGCATCTCACTGCTGTGCTTGGAGGGTTTACAGAAAATA[T>C]TCAGTGCTGTGCAACAGTTCTATCAGCCCAAGATTCAGCAGTTTCTCAGAGCTCTGGGTA-3'
Protein context (NP_001106849.1, residues 906-926): LLCLEGLQKI[Phe916Leu]SAVQQFYQPK

ClinVar aggregate classification (germline): Uncertain significance (1 of 4 stars; one submission).

Conditions:
Fanconi anemia (FA). Also called: Fanconi's anemia. Identifiers: Orphanet 84, MedGen C0015625, MeSH D005199, MONDO:0019391.

Allele frequency attached by ClinVar (database versions not stated): gnomAD 0.00001; TOPMed 0.00002.
gnomAD v4.1: 10 of 1,614,006 alleles (0.00062%); highest among the groups gnomAD compares: Non-Finnish European, 0.00085%; no homozygotes.

Submission:

Labcorp Genetics (formerly Invitae), Labcorp
Classification: Uncertain significance for Fanconi anemia. Last evaluated: 2022-07-02. Review status: criteria provided, single submitter. Criteria: Invitae Variant Classification Sherloc (09022015). Collection method: clinical testing. Allele origin: germline.
Comment: This sequence change replaces phenylalanine, which is neutral and non-polar, with leucine, which is neutral and non-polar, at codon 916 of the FANCI protein (p.Phe916Leu). This variant is present in population databases (no rsID available, gnomAD 0.0009%). This variant has not been reported in the literature in individuals affected with FANCI-related conditions. Algorithms developed to predict the effect of missense changes on protein structure and function output the following: SIFT: "Tolerated"; PolyPhen-2: "Benign"; Align-GVGD: "Class C0". The leucine amino acid residue is found in multiple mammalian species, which suggests that this missense change does not adversely affect protein function. In summary, the available evidence is currently insufficient to determine the role of this variant in disease. Therefore, it has been classified as a Variant of Uncertain Significance.